The following is an entry in ClinVar:

ClinVar aggregate classification (germline): Pathogenic (1 of 4 stars; one submission).

Conditions:
Joubert syndrome and related disorders. Identifiers: Orphanet 140874, MedGen C5679612, MONDO:0015369.

Submission:

Myriad Genetics, Inc.
Classification: Pathogenic for Joubert syndrome and related disorders. Last evaluated: 2024-10-02. Review status: criteria provided, single submitter. Criteria: Myriad Autosomal Dominant, Autosomal Recessive and X-Linked Classification Criteria (2023). Collection method: clinical testing. Allele origin: unknown.
Comment: NM_001080522.2(CC2D2A):c.4408delC(L1470Ffs*14) is expected to be pathogenic in the context of CC2D2A-related disorders. This variant is predicted to lead to an abnormal or absent protein product due to the creation of a premature termination codon in CC2D2A, a gene where loss-of-function variants are known to be pathogenic. Please note: this variant was assessed in the context of healthy population screening.

NM_001378615.1(CC2D2A):c.4408del (p.Leu1470fs)

Genes: CC2D2A (coiled-coil and C2 domain containing 2A; plus strand), FBXL5 (F-box and leucine rich repeat protein 5; minus strand). Cytogenetic location: 4p15.32.
Variant type: Deletion.
Coding change: c.4408del on transcript NM_001378615.1 (MANE Select); coding-DNA position 4408, one base deleted (C; older notation c.4408delC).
Protein change: p.Leu1470fs; shifts the reading frame from leucine 1470.
Molecular consequence: frameshift variant.
Genome position (GRCh38, 1-based): chr4:15,596,178, C deleted; the last of 2 consecutive C bases (chr4:15,596,177-15,596,178); deleting either gives the same sequence. VCF-style (leftmost placement, unchanged base first): chr4-15596176-GC-G. GRCh37 (hg19) VCF-style: chr4-15597799-GC-G.
Other names: c.4408del, p.Leu1470fs (NM_001080522.2); c.4261del, p.Leu1421fs (NM_001378617.1); short protein forms L1421fs, L1470fs.
Identifiers: ClinVar variation 5013604 (VCV005013604.1).
Genomic context (GRCh38, chr4:15,596,176, plus strand): 5'-CACTAAGGATAAATTTTGATGTCACCAGGCCCAAGCTATGGAAATCTTTCTTTTCAAGAA[GC>G]CTTCCATATCCTGGCCTTTCCAGTGTTCAGGTATAAATCTTTTATTAACAGTTAAATGTA-3'